The following is an entry in ClinVar:

NM_177438.3(DICER1):c.2116+7A>G

Gene: DICER1 (dicer 1, ribonuclease III; minus strand). Cytogenetic location: 14q32.13.
Variant type: single nucleotide variant.
Coding change: c.2116+7A>G on transcript NM_177438.3 (MANE Select); 7 bases into the intron after coding-DNA position 2116, A replaced by G.
Molecular consequence: intron variant.
Genome position (GRCh38, 1-based): chr14:95,112,165, T>C on the plus strand (A>G on the coding strand, the complement: DICER1 is on the minus strand). VCF-style: chr14-95112165-T-C. GRCh37 (hg19) VCF-style: chr14-95578502-T-C.
Other names: c.2116+7A>G (NM_001291628.2, NM_030621.4, NM_001271282.3 and 1 more transcripts).
Identifiers: ClinVar variation 417134 (VCV000417134.19), dbSNP rs563163879, ClinGen allele CA7331314.

ClinVar aggregate classification (germline): Likely benign. Review status: criteria provided, multiple submitters, no conflicts (2 of 4 stars). 4 submissions from 4 submitters: Likely benign (4). Last evaluated 2026-04-13.

Conditions:
DICER1-related tumor predisposition. Also called: DICER1-related pleuropulmonary blastoma cancer predisposition syndrome; DICER1 syndrome. Identifiers: Orphanet 284343, MedGen C3839822, MONDO:0100216.

Allele frequency attached by ClinVar (database versions not stated): ExAC 0.00007; TOPMed 0.00002; gnomAD 0.00003 and 0.00001; gnomAD exomes 0.00006; 1000 Genomes Project 0.00020; 1000 Genomes Project 30x 0.00016.

Submissions (4):

Myriad Genetics, Inc.
Classification: Likely benign for DICER1-related tumor predisposition. Last evaluated: 2026-04-13. Review status: criteria provided, single submitter. Criteria: Myriad Autosomal Dominant, Autosomal Recessive and X-Linked Classification Criteria (2023). Collection method: clinical testing. Allele origin: unknown.
Comment: This variant is considered likely benign. This variant is intronic and is not expected to impact mRNA splicing.

Labcorp Genetics (formerly Invitae), Labcorp
Classification: Likely benign for DICER1-related tumor predisposition. Last evaluated: 2025-12-23. Review status: criteria provided, single submitter. Criteria: Invitae Variant Classification Sherloc (09022015). Collection method: clinical testing. Allele origin: germline.

Center for Genomic Medicine, Rigshospitalet, Copenhagen University Hospital
Classification: Likely benign. Last evaluated: 2025-03-04. Review status: criteria provided, single submitter. Criteria: ACMG Guidelines, 2015. Collection method: clinical testing. Allele origin: germline.

Quest Diagnostics Nichols Institute San Juan Capistrano
Classification: Likely benign. Last evaluated: 2022-10-04. Review status: criteria provided, single submitter. Criteria: Quest Diagnostics criteria. Collection method: clinical testing. Allele origin: unknown.